The following is an entry in ClinVar:

ClinVar aggregate classification (germline): Pathogenic. Review status: criteria provided, multiple submitters, no conflicts (2 of 4 stars). 2 submissions from 2 submitters: Pathogenic (2). Last evaluated 2024-01-14.

Conditions:
Hereditary diffuse gastric adenocarcinoma (HDGC). Also called: DIFFUSE GASTRIC AND LOBULAR BREAST CANCER SYNDROME. Identifiers: Orphanet 26106, MedGen C1708349, MONDO:0007648, OMIM 137215.
Hereditary cancer-predisposing syndrome. Also called: Tumor predisposition; Hereditary neoplastic syndrome; Neoplastic Syndromes, Hereditary; Hereditary Cancer Syndrome. Identifiers: Orphanet 140162, MedGen C0027672, MeSH D009386, MONDO:0015356.

Submissions (2):

Ambry Genetics
Classification: Pathogenic for Hereditary cancer-predisposing syndrome. Last evaluated: 2024-01-14. Review status: criteria provided, single submitter. Criteria: Ambry Variant Classification Scheme 2023. Collection method: clinical testing. Allele origin: germline.
Comment: The p.E551* variant (also known as c.1651G>T), located in coding exon 11 of the CDH1 gene, results from a G to T substitution at nucleotide position 1651. This changes the amino acid from a glutamic acid to a stop codon within coding exon 11. This alteration is expected to result in loss of function by premature protein truncation or nonsense-mediated mRNA decay. Additionally, this variant was reported in multiple individuals with features consistent with CDH1-related diffuse gastric and lobular breast cancer (Garcia-Pelaez J et al. Lancet Oncol 2023 Jan;24(1):91-106; Marwitz T et al. Cancers (Basel) 2020 Dec;12(12)). As such, this alteration is interpreted as a disease-causing mutation.

European Reference Network on Genetic Tumour Risk Syndromes (ERN-GENTURIS), i3s - Instituto de Investigação e Inovação em Saúde, University of Porto
Classification: Pathogenic for Hereditary diffuse gastric adenocarcinoma. Last evaluated: 2022-08-01. Review status: criteria provided, single submitter. Criteria: Lee et al. (Hum Mutat. 2018). Collection method: clinical testing. Allele origin: germline. Inheritance: Autosomal dominant inheritance. Affected: yes. Study: ERN GENTURIS.
Comment: PVS1; PS4_Supporting; PM2 (PMID: 30311375)

Literature cited by the submitters: PubMed 36436516 (cited by European Reference Network on Genetic Tumour Risk Syndromes (ERN-GENTURIS), i3s - Instituto de Investigação e Inovação em Saúde, University of Porto).

NM_004360.5(CDH1):c.1651G>T (p.Glu551Ter)

Gene: CDH1 (cadherin 1; plus strand). Cytogenetic location: 16q22.1.
Variant type: single nucleotide variant.
Coding change: c.1651G>T on transcript NM_004360.5 (MANE Select); coding-DNA position 1651, G replaced by T.
Protein change: p.Glu551Ter; replaces glutamic acid 551 with a stop codon.
Molecular consequence: nonsense. On other transcripts: intron variant (1).
Genome position (GRCh38, 1-based): chr16:68,819,365, G>T. VCF-style: chr16-68819365-G-T. GRCh37 (hg19) VCF-style: chr16-68853268-G-T.
Other names: c.1468G>T, p.Glu490Ter (NM_001317184.2); c.103G>T, p.Glu35Ter (NM_001317185.2); c.-254-2636G>T (NM_001317186.2); short protein forms E35*, E490*, E551*.
Identifiers: ClinVar variation 2502968 (VCV002502968.2), dbSNP rs1596960532, ClinGen allele CA396465226.
Genomic context (GRCh38, chr16:68,819,365, plus strand): 5'-AACTGGCTGGAGATTAATCCGGACACTGGTGCCATTTCCACTCGGGCTGAGCTGGACAGG[G>T]AGGATTTTGAGCACGTGAAGAACAGCACGTACACAGCCCTAATCATAGCTACAGACAATG-3'